The following is an entry in ClinVar:

ClinVar aggregate classification (germline): Likely benign. Review status: criteria provided, multiple submitters, no conflicts (2 of 4 stars). 2 submissions from 2 submitters: Likely benign (2). Last evaluated 2023-10-06.

Submissions (2):

Labcorp Genetics (formerly Invitae), Labcorp
Classification: Likely benign. Last evaluated: 2023-10-06. Review status: criteria provided, single submitter. Criteria: Invitae Variant Classification Sherloc (09022015). Collection method: clinical testing. Allele origin: germline.

CeGaT Center for Human Genetics Tuebingen
Classification: Likely benign. Last evaluated: 2023-03-01. Review status: criteria provided, single submitter. Criteria: CeGaT Center For Human Genetics Tuebingen Variant Classification Criteria Version 2. Collection method: clinical testing. Allele origin: germline. Affected: yes. Observed: 1 variant allele.
Comment: CAMTA1: PM2:Supporting, BP4, BP7

NM_015215.4(CAMTA1):c.2628C>T (p.Tyr876=)

Gene: CAMTA1 (calmodulin binding transcription activator 1; plus strand). Cytogenetic location: 1p36.23.
Variant type: single nucleotide variant.
Coding change: c.2628C>T on transcript NM_015215.4 (MANE Select); coding-DNA position 2628, C replaced by T.
Protein change: p.Tyr876=; no amino-acid change (tyrosine 876 retained).
Molecular consequence: synonymous variant.
Genome position (GRCh38, 1-based): chr1:7,665,175, C>T. VCF-style: chr1-7665175-C-T. GRCh37 (hg19) VCF-style: chr1-7725235-C-T.
Other names: c.2538C>T, p.Tyr846= (NM_001349608.2, NM_001349612.2); c.2628C>T, p.Tyr876= (NM_001349609.2, NM_001349610.2, NM_001410737.1); c.2556C>T, p.Tyr852= (NM_001410738.1).
Identifiers: ClinVar variation 2638136 (VCV002638136.27), dbSNP rs2523757285, ClinGen allele CA415822749.